The following is an entry in ClinVar:

NM_006231.4(POLE):c.286-3C>T

Gene: POLE (DNA polymerase epsilon, catalytic subunit; minus strand). Cytogenetic location: 12q24.33.
Variant type: single nucleotide variant.
Coding change: c.286-3C>T on transcript NM_006231.4 (MANE Select); 3 bases into the intron before coding-DNA position 286, C replaced by T.
Molecular consequence: intron variant.
Genome position (GRCh38, 1-based): chr12:132,680,225, G>A on the plus strand (C>T on the coding strand, the complement: POLE is on the minus strand). VCF-style: chr12-132680225-G-A. GRCh37 (hg19) VCF-style: chr12-133256811-G-A.
Identifiers: ClinVar variation 576974 (VCV000576974.8), dbSNP rs1555230255, ClinGen allele CA891843749.

ClinVar aggregate classification (germline): Uncertain significance (1 of 4 stars; one submission).

Submission:

Labcorp Genetics (formerly Invitae), Labcorp
Classification: Uncertain significance. Last evaluated: 2018-01-22. Review status: criteria provided, single submitter. Criteria: Invitae Variant Classification Sherloc (09022015). Collection method: clinical testing. Allele origin: germline.
Comment: This sequence change falls in intron 3 of the POLE gene. It does not directly change the encoded amino acid sequence of the POLE protein, but it affects a nucleotide within the consensus splice site of the intron. In summary, the available evidence is currently insufficient to determine the role of this variant in disease. Therefore, it has been classified as a Variant of Uncertain Significance. Nucleotide substitutions within the consensus splice site are a relatively common cause of aberrant splicing (PMID: 17576681, 9536098). Algorithms developed to predict the effect of sequence changes on RNA splicing suggest that this variant may disrupt the consensus splice site, but this prediction has not been confirmed by published transcriptional studies. This variant has not been reported in the literature in individuals with POLE-related disease. This variant is not present in population databases (ExAC no frequency).

Literature cited by the submitters: PubMed 17576681; PubMed 9536098.